The following is an entry in ClinVar:

ClinVar aggregate classification (germline): Uncertain significance (1 of 4 stars; one submission).

Submission:

GeneDx
Classification: Uncertain significance. Last evaluated: 2024-12-27. Review status: criteria provided, single submitter. Criteria: GeneDx Variant Classification Process June 2021. Collection method: clinical testing. Allele origin: germline. Affected: yes.
Comment: Not observed at significant frequency in large population cohorts (gnomAD); In silico analysis indicates that this missense variant does not alter protein structure/function; Has not been previously published as pathogenic or benign to our knowledge

NM_181882.3(PRX):c.3660G>C (p.Gln1220His)

Gene: PRX (periaxin; minus strand). Cytogenetic location: 19q13.2.
Variant type: single nucleotide variant.
Coding change: c.3660G>C on transcript NM_181882.3 (MANE Select); coding-DNA position 3660, G replaced by C.
Protein change: p.Gln1220His; replaces glutamine 1220 with histidine.
Molecular consequence: missense variant. On other transcripts: 3 prime UTR variant (1).
Genome position (GRCh38, 1-based): chr19:40,394,692, C>G on the plus strand (G>C on the coding strand, the complement: PRX is on the minus strand). VCF-style: chr19-40394692-C-G. GRCh37 (hg19) VCF-style: chr19-40900599-C-G.
Other names: c.3945G>C, p.Gln1315His (NM_001411127.1); c.*3865G>C (NM_020956.2); short protein forms Q1220H, Q1315H.
Identifiers: ClinVar variation 3907849 (VCV003907849.1).